The following is an entry in ClinVar:

NM_177404.3(MAGEB1):c.87C>T (p.His29=)

Gene: MAGEB1 (MAGE family member B1; plus strand). Cytogenetic location: Xp21.2.
Variant type: single nucleotide variant.
Coding change: c.87C>T on transcript NM_177404.3 (MANE Select); coding-DNA position 87, C replaced by T.
Protein change: p.His29=; no amino-acid change (histidine 29 retained).
Molecular consequence: synonymous variant.
Genome position (GRCh38, 1-based): chrX:30,250,580, C>T. VCF-style: chrX-30250580-C-T. GRCh37 (hg19) VCF-style: chrX-30268697-C-T.
Other names: c.87C>T, p.His29= (NM_002363.5, NM_177415.3).
Identifiers: ClinVar variation 2660228 (VCV002660228.24), dbSNP rs369750525, ClinGen allele CA10376109.

ClinVar aggregate classification (germline): Likely benign (1 of 4 stars; one submission).

Allele frequency attached by ClinVar (database versions not stated): gnomAD exomes 0.00007; TOPMed 0.00007; ESP Exome Variant Server 0.00009; ExAC 0.00012; gnomAD 0.00012; 1000 Genomes Project 30x 0.00021; 1000 Genomes Project 0.00026.

Submission:

CeGaT Center for Human Genetics Tuebingen
Classification: Likely benign. Last evaluated: 2022-03-01. Review status: criteria provided, single submitter. Criteria: CeGaT Center For Human Genetics Tuebingen Variant Classification Criteria Version 2. Collection method: clinical testing. Allele origin: germline. Affected: yes. Observed: 1 variant allele.
Comment: MAGEB1: BP4, BP7